The following is an entry in ClinVar:

ClinVar aggregate classification (germline): Likely pathogenic (1 of 4 stars; one submission).

Conditions:
Hereditary spastic paraplegia 11. Also called: Spastic Paraplegia 11; SPASTIC PARAPLEGIA, AUTOSOMAL RECESSIVE, COMPLICATED, WITH THIN CORPUS CALLOSUM; SPASTIC PARAPLEGIA, AUTOSOMAL RECESSIVE, WITH MENTAL IMPAIRMENT AND THIN CORPUS CALLOSUM; Nakamura Osame syndrome; Autosomal recessive hereditary spastic paraplegia, mental impairment, and thin corpus callosum; Spastic paraplegia, mental retardation and thin corpus callosum. Identifiers: Orphanet 2822, MedGen C1858479, MONDO:0011445, OMIM 604360.

Submission:

Labcorp Genetics (formerly Invitae), Labcorp
Classification: Likely pathogenic for Hereditary spastic paraplegia 11. Last evaluated: 2022-02-24. Review status: criteria provided, single submitter. Criteria: Invitae Variant Classification Sherloc (09022015). Collection method: clinical testing. Allele origin: germline.
Comment: In summary, the currently available evidence indicates that the variant is pathogenic, but additional data are needed to prove that conclusively. Therefore, this variant has been classified as Likely Pathogenic. This variant has not been reported in the literature in individuals affected with SPG11-related conditions. This variant results in a copy number gain of the genomic region encompassing exon(s) 22-26 of the SPG11 gene. While the exact position of this variant cannot be determined from the data, sub-genic copy number gains are generally in tandem (PMID: 25640679). This variant is predicted to be out-of-frame, and may result in an absent or disrupted protein product. Loss-of-function variants in SPG11 are known to be pathogenic (PMID: 19105190, 20110243, 22154821, 26556829).

Literature cited by the submitters: PubMed 25640679; PubMed 19105190; PubMed 20110243; PubMed 22154821; PubMed 26556829.

NC_000015.9:g.(?_44887437)_(44891054_?)dup

Gene: SPG11 (SPG11 vesicle trafficking associated, spatacsin; minus strand). Cytogenetic location: 15q21.1.
Variant type: Duplication.
Identifiers: ClinVar variation 1525285 (VCV001525285.5).